The following is an entry in ClinVar:

NM_000719.7(CACNA1C):c.1532G>T (p.Arg511Leu)

Gene: CACNA1C (calcium voltage-gated channel subunit alpha1 C; plus strand). Cytogenetic location: 12p13.33.
Variant type: single nucleotide variant.
Coding change: c.1532G>T on transcript NM_000719.7 (MANE Select); coding-DNA position 1532, G replaced by T.
Protein change: p.Arg511Leu; replaces arginine 511 with leucine.
Molecular consequence: missense variant.
Genome position (GRCh38, 1-based): chr12:2,566,445, G>T. VCF-style: chr12-2566445-G-T. GRCh37 (hg19) VCF-style: chr12-2675611-G-T.
Other names: c.1532G>T, p.Arg511Leu (NM_001129829.2, NM_001129830.3, NM_001129831.2 and 18 more transcripts); c.1523G>T, p.Arg508Leu (NM_001129844.2); short protein forms R508L, R511L.
Identifiers: ClinVar variation 3718534 (VCV003718534.2).

ClinVar aggregate classification (germline): Uncertain significance (1 of 4 stars; one submission).

Conditions:
Long QT syndrome (LQTS). Identifiers: MedGen C0023976, MeSH D008133, MONDO:0002442. Disease mechanism: loss of function. Inheritance: Various modes of inheritance.

Submission:

Labcorp Genetics (formerly Invitae), Labcorp
Classification: Uncertain significance for Long QT syndrome. Last evaluated: 2024-08-13. Review status: criteria provided, single submitter. Criteria: Invitae Variant Classification Sherloc (09022015). Collection method: clinical testing. Allele origin: germline.
Comment: This sequence change replaces arginine, which is basic and polar, with leucine, which is neutral and non-polar, at codon 511 of the CACNA1C protein (p.Arg511Leu). This variant is not present in population databases (gnomAD no frequency). This variant has not been reported in the literature in individuals affected with CACNA1C-related conditions. Invitae Evidence Modeling of protein sequence and biophysical properties (such as structural, functional, and spatial information, amino acid conservation, physicochemical variation, residue mobility, and thermodynamic stability) indicates that this missense variant is expected to disrupt CACNA1C protein function with a positive predictive value of 95%. In summary, the available evidence is currently insufficient to determine the role of this variant in disease. Therefore, it has been classified as a Variant of Uncertain Significance.